The following is an entry in ClinVar:

ClinVar aggregate classification (germline): Uncertain significance (1 of 4 stars; one submission).

Allele frequency attached by ClinVar (database versions not stated): TOPMed below 0.00001; gnomAD 0.00001.

Submission:

Labcorp Genetics (formerly Invitae), Labcorp
Classification: Uncertain significance. Last evaluated: 2025-03-16. Review status: criteria provided, single submitter. Criteria: Invitae Variant Classification Sherloc (09022015). Collection method: clinical testing. Allele origin: germline.
Comment: This sequence change replaces cysteine, which is neutral and slightly polar, with tyrosine, which is neutral and polar, at codon 286 of the MYO7A protein (p.Cys286Tyr). This variant is not present in population databases (gnomAD no frequency). This variant has not been reported in the literature in individuals affected with MYO7A-related conditions. ClinVar contains an entry for this variant (Variation ID: 1037419). Invitae Evidence Modeling of protein sequence and biophysical properties (such as structural, functional, and spatial information, amino acid conservation, physicochemical variation, residue mobility, and thermodynamic stability) indicates that this missense variant is not expected to disrupt MYO7A protein function with a negative predictive value of 95%. In summary, the available evidence is currently insufficient to determine the role of this variant in disease. Therefore, it has been classified as a Variant of Uncertain Significance.

NM_000260.4(MYO7A):c.857G>A (p.Cys286Tyr)

Gene: MYO7A (myosin VIIA; plus strand). Cytogenetic location: 11q13.5.
Variant type: single nucleotide variant.
Coding change: c.857G>A on transcript NM_000260.4 (MANE Select); coding-DNA position 857, G replaced by A.
Protein change: p.Cys286Tyr; replaces cysteine 286 with tyrosine.
Molecular consequence: missense variant.
Genome position (GRCh38, 1-based): chr11:77,158,284, G>A. VCF-style: chr11-77158284-G-A. GRCh37 (hg19) VCF-style: chr11-76869330-G-A.
Other names: c.857G>A, p.Cys286Tyr (NM_001127180.2); c.824G>A, p.Cys275Tyr (NM_001369365.1); short protein forms C286Y, C275Y.
Identifiers: ClinVar variation 1037419 (VCV001037419.8), dbSNP rs1952682391, ClinGen allele CA381932810.